The following is an entry in ClinVar:

ClinVar aggregate classification (germline): Uncertain significance. Review status: criteria provided, multiple submitters, no conflicts (2 of 4 stars). 2 submissions from 2 submitters: Uncertain significance (2). Last evaluated 2024-08-27.

Conditions:
Corneal dystrophy, Meesmann, 2. Identifiers: MedGen C5231495, MONDO:0032904, OMIM 618767.

gnomAD v4.1: 58 of 1,612,272 alleles (0.0036%); highest among the groups gnomAD compares: Non-Finnish European, 0.0047%; no homozygotes.

Submissions (2):

Labcorp Genetics (formerly Invitae), Labcorp
Classification: Uncertain significance. Last evaluated: 2024-08-27. Review status: criteria provided, single submitter. Criteria: Invitae Variant Classification Sherloc (09022015). Collection method: clinical testing. Allele origin: germline.
Comment: This sequence change replaces glycine, which is neutral and non-polar, with aspartic acid, which is acidic and polar, at codon 111 of the KRT3 protein (p.Gly111Asp). This variant is present in population databases (rs771174913, gnomAD 0.004%). This variant has not been reported in the literature in individuals affected with KRT3-related conditions. Invitae Evidence Modeling of protein sequence and biophysical properties (such as structural, functional, and spatial information, amino acid conservation, physicochemical variation, residue mobility, and thermodynamic stability) indicates that this missense variant is expected to disrupt KRT3 protein function with a positive predictive value of 80%. In summary, the available evidence is currently insufficient to determine the role of this variant in disease. Therefore, it has been classified as a Variant of Uncertain Significance.

Department of Pathology and Laboratory Medicine, Sinai Health System
Classification: Uncertain significance for Corneal dystrophy, Meesmann, 2. Last evaluated: 2022-05-24. Review status: criteria provided, single submitter. Criteria: ACMG Guidelines, 2015. Collection method: research. Allele origin: germline.

NM_057088.3(KRT3):c.332G>A (p.Gly111Asp)

Gene: KRT3 (keratin 3; minus strand). Cytogenetic location: 12q13.13.
Variant type: single nucleotide variant.
Coding change: c.332G>A on transcript NM_057088.3 (MANE Select); coding-DNA position 332, G replaced by A.
Protein change: p.Gly111Asp; replaces glycine 111 with aspartic acid.
Molecular consequence: missense variant.
Genome position (GRCh38, 1-based): chr12:52,795,711, C>T on the plus strand (G>A on the coding strand, the complement: KRT3 is on the minus strand). VCF-style: chr12-52795711-C-T. GRCh37 (hg19) VCF-style: chr12-53189495-C-T.
Other names: short protein forms G111D.
Identifiers: ClinVar variation 3606754 (VCV003606754.3).
Genomic context (GRCh38, chr12:52,795,711, plus strand): 5'-AAGCCACCAGCCCCTCCAAAGCCACCAGCTCCACCAAAGCCACCTCCCATTCCTCTGCCA[C>T]CACCAAAGCCACCACCAAAGCCACCTCCATAGCCGCTCCCAAAGCCACCTCCATAGCCAC-3'
Protein context (NP_476429.2, residues 101-121): YGGGFGGGFG[Gly111Asp]GRGMGGGFGG